The following is an entry in ClinVar:

ClinVar aggregate classification (germline): Uncertain significance (1 of 4 stars; one submission).

Submission:

Labcorp Genetics (formerly Invitae), Labcorp
Classification: Uncertain significance. Last evaluated: 2022-05-26. Review status: criteria provided, single submitter. Criteria: Invitae Variant Classification Sherloc (09022015). Collection method: clinical testing. Allele origin: germline.
Comment: This variant has not been reported in the literature in individuals affected with VPS13D-related conditions. In summary, the available evidence is currently insufficient to determine the role of this variant in disease. Therefore, it has been classified as a Variant of Uncertain Significance. Algorithms developed to predict the effect of missense changes on protein structure and function are either unavailable or do not agree on the potential impact of this missense change (SIFT: "Not Available"; PolyPhen-2: "Benign"; Align-GVGD: "Not Available"). This variant is not present in population databases (gnomAD no frequency). This sequence change replaces proline, which is neutral and non-polar, with serine, which is neutral and polar, at codon 1571 of the VPS13D protein (p.Pro1571Ser).

NM_015378.4(VPS13D):c.4711C>T (p.Pro1571Ser)

Gene: VPS13D (vacuolar protein sorting 13 homolog D; plus strand). Cytogenetic location: 1p36.22.
Variant type: single nucleotide variant.
Coding change: c.4711C>T on transcript NM_015378.4 (MANE Select); coding-DNA position 4711, C replaced by T.
Protein change: p.Pro1571Ser; replaces proline 1571 with serine.
Molecular consequence: missense variant.
Genome position (GRCh38, 1-based): chr1:12,282,813, C>T. VCF-style: chr1-12282813-C-T. GRCh37 (hg19) VCF-style: chr1-12342870-C-T.
Other names: c.4711C>T, p.Pro1571Ser (NM_018156.4); short protein forms P1571S.
Identifiers: ClinVar variation 1998043 (VCV001998043.4), dbSNP rs757415160, ClinGen allele CA338481351.